The following is an entry in ClinVar:

NM_001080449.3(DNA2):c.2582G>C (p.Arg861Pro)

Gene: DNA2 (DNA replication helicase/nuclease 2; minus strand). Cytogenetic location: 10q21.3.
Variant type: single nucleotide variant.
Coding change: c.2582G>C on transcript NM_001080449.3 (MANE Select); coding-DNA position 2582, G replaced by C.
Protein change: p.Arg861Pro; replaces arginine 861 with proline.
Molecular consequence: missense variant. On other transcripts: non-coding transcript variant (1).
Genome position (GRCh38, 1-based): chr10:68,422,340, C>G on the plus strand (G>C on the coding strand, the complement: DNA2 is on the minus strand). VCF-style: chr10-68422340-C-G. GRCh37 (hg19) VCF-style: chr10-70182097-C-G.
Other names: short protein forms R861P.
Identifiers: ClinVar variation 2132679 (VCV002132679.4), dbSNP rs1273802326, ClinGen allele CA376845640.
Genomic context (GRCh38, chr10:68,422,340, plus strand): 5'-CAAGGATTATCAGAATAGTCAGCATAAAATTCCAGTTCCAGCTTCACATCTTTAAAGTGA[C>G]GTAGGTTTATCACTGCATTGGCCACTTTGTCTGATCCACACTCCAGCTTGCCCTCATAGG-3'
Protein context (NP_001073918.2, residues 851-871): DKVANAVINL[Arg861Pro]HFKDVKLELE

ClinVar aggregate classification (germline): Uncertain significance (1 of 4 stars; one submission).

Allele frequency attached by ClinVar (database versions not stated): gnomAD 0.00001.
gnomAD v4.1: 6 of 1,613,698 alleles (0.00037%); highest among the groups gnomAD compares: Non-Finnish European, 0.00042%; no homozygotes.

Submission:

Labcorp Genetics (formerly Invitae), Labcorp
Classification: Uncertain significance. Last evaluated: 2022-09-16. Review status: criteria provided, single submitter. Criteria: Invitae Variant Classification Sherloc (09022015). Collection method: clinical testing. Allele origin: germline.
Comment: This sequence change replaces arginine, which is basic and polar, with proline, which is neutral and non-polar, at codon 861 of the DNA2 protein (p.Arg861Pro). This variant is not present in population databases (gnomAD no frequency). This variant has not been reported in the literature in individuals affected with DNA2-related conditions. Advanced modeling of protein sequence and biophysical properties (such as structural, functional, and spatial information, amino acid conservation, physicochemical variation, residue mobility, and thermodynamic stability) performed at Invitae indicates that this missense variant is not expected to disrupt DNA2 protein function. In summary, the available evidence is currently insufficient to determine the role of this variant in disease. Therefore, it has been classified as a Variant of Uncertain Significance.